The following is an entry in ClinVar:

ClinVar aggregate classification (germline): Uncertain significance (1 of 4 stars; one submission).

Allele frequency attached by ClinVar (database versions not stated): gnomAD 0.00001; TOPMed 0.00001.
gnomAD v4.1: 3 of 1,614,002 alleles (0.00019%); highest among the groups gnomAD compares: Admixed American, 0.0033%; no homozygotes.

Submission:

Labcorp Genetics (formerly Invitae), Labcorp
Classification: Uncertain significance. Last evaluated: 2021-12-30. Review status: criteria provided, single submitter. Criteria: Invitae Variant Classification Sherloc (09022015). Collection method: clinical testing. Allele origin: germline.
Comment: This sequence change replaces alanine, which is neutral and non-polar, with valine, which is neutral and non-polar, at codon 287 of the RDH5 protein (p.Ala287Val). This variant is not present in population databases (gnomAD no frequency). This variant has not been reported in the literature in individuals affected with RDH5-related conditions. Algorithms developed to predict the effect of missense changes on protein structure and function are either unavailable or do not agree on the potential impact of this missense change (SIFT: "Deleterious"; PolyPhen-2: "Possibly Damaging"; Align-GVGD: "Class C0"). In summary, the available evidence is currently insufficient to determine the role of this variant in disease. Therefore, it has been classified as a Variant of Uncertain Significance.

NM_002905.5(RDH5):c.860C>T (p.Ala287Val)

Genes: BLOC1S1-RDH5 (BLOC1S1-RDH5 readthrough; plus strand), CD63 (CD63 molecule; minus strand), RDH5 (retinol dehydrogenase 5; plus strand). Cytogenetic location: 12q13.2.
Variant type: single nucleotide variant.
Coding change: c.860C>T on transcript NM_002905.5 (MANE Select); coding-DNA position 860, C replaced by T.
Protein change: p.Ala287Val; replaces alanine 287 with valine.
Molecular consequence: missense variant. On other transcripts: non-coding transcript variant (1).
Genome position (GRCh38, 1-based): chr12:55,724,448, C>T. VCF-style: chr12-55724448-C-T. GRCh37 (hg19) VCF-style: chr12-56118232-C-T.
Other names: c.860C>T, p.Ala287Val (NM_001199771.3); short protein forms A287V.
Identifiers: ClinVar variation 1366517 (VCV001366517.3), dbSNP rs904803617, ClinGen allele CA237595252.
Genomic context (GRCh38, chr12:55,724,448, plus strand): 5'-GCCTGGAGCATGCCCTGACTGCTCGACACCCCCGAACCCGCTACAGCCCAGGTTGGGATG[C>T]CAAGCTGCTCTGGCTGCCTGCCTCCTACCTGCCAGCCAGCCTGGTGGATGCTGTGCTCAC-3'
Protein context (NP_002896.2, residues 277-297): PRTRYSPGWD[Ala287Val]KLLWLPASYL